The following is an entry in ClinVar:

ClinVar aggregate classification (germline): Uncertain significance (1 of 4 stars; one submission).

Allele frequency attached by ClinVar (database versions not stated): ExAC 0.00002; TOPMed 0.00004; gnomAD 0.00007; ESP Exome Variant Server 0.00008.

Submission:

Labcorp Genetics (formerly Invitae), Labcorp
Classification: Uncertain significance. Last evaluated: 2022-04-01. Review status: criteria provided, single submitter. Criteria: Invitae Variant Classification Sherloc (09022015). Collection method: clinical testing. Allele origin: germline.
Comment: This sequence change replaces glutamine, which is neutral and polar, with histidine, which is basic and polar, at codon 50 of the MUT protein (p.Gln50His). This variant is present in population databases (rs368296765, gnomAD 0.02%). This variant has not been reported in the literature in individuals affected with MUT-related conditions. Algorithms developed to predict the effect of missense changes on protein structure and function are either unavailable or do not agree on the potential impact of this missense change (SIFT: "Deleterious"; PolyPhen-2: "Benign"; Align-GVGD: "Class C0"). In summary, the available evidence is currently insufficient to determine the role of this variant in disease. Therefore, it has been classified as a Variant of Uncertain Significance.

NM_000255.4(MMUT):c.150G>C (p.Gln50His)

Gene: MMUT (methylmalonyl-CoA mutase; minus strand). Cytogenetic location: 6p12.3.
Variant type: single nucleotide variant.
Coding change: c.150G>C on transcript NM_000255.4 (MANE Select); coding-DNA position 150, G replaced by C.
Protein change: p.Gln50His; replaces glutamine 50 with histidine.
Molecular consequence: missense variant.
Genome position (GRCh38, 1-based): chr6:49,459,317, C>G on the plus strand (G>C on the coding strand, the complement: MMUT is on the minus strand). VCF-style: chr6-49459317-C-G. GRCh37 (hg19) VCF-style: chr6-49427030-C-G.
Other names: short protein forms Q50H.
Identifiers: ClinVar variation 2038313 (VCV002038313.1), dbSNP rs368296765, ClinGen allele CA3847177.
Genomic context (GRCh38, chr6:49,459,317, plus strand): 5'-TTTTATAGAGATCCCTTCCGGGGTGTGCCATATTAGGTCTTCTGGGTTTTTGCCTTTCAG[C>G]TGCTTTTTAGCCAGGGCAGCCCATTCTGGGTGAAGGGGCTGTTGCTGGTGTAGAAGTCGT-3'
Protein context (NP_000246.2, residues 40-60): HPEWAALAKK[Gln50His]LKGKNPEDLI